The following is an entry in ClinVar:

ClinVar aggregate classification (germline): Pathogenic (1 of 4 stars; one submission).

Conditions:
Acid sphingomyelinase deficiency. Identifiers: Orphanet 618899, MedGen C5243927, MONDO:0100464.

Submission:

Myriad Genetics, Inc.
Classification: Pathogenic for Acid sphingomyelinase deficiency. Last evaluated: 2025-09-04. Review status: criteria provided, single submitter. Criteria: Myriad Autosomal Dominant, Autosomal Recessive and X-Linked Classification Criteria (2023). Collection method: clinical testing. Allele origin: unknown.
Comment: NM_000543.4(SMPD1):c.1159delT(C387Vfs*9) is expected to be pathogenic in the context of Niemann-Pick disease, SMPD1-related. This variant is predicted to lead to an abnormal or absent protein product due to the creation of a premature termination codon in SMPD1, a gene where loss-of-function variants are known to be pathogenic. Please note: this variant was assessed in the context of healthy population screening.

NM_000543.5(SMPD1):c.1159del (p.Cys387fs)

Gene: SMPD1 (sphingomyelin phosphodiesterase 1; plus strand). Cytogenetic location: 11p15.4.
Variant type: Deletion.
Coding change: c.1159del on transcript NM_000543.5 (MANE Select); coding-DNA position 1159, one base deleted (T; older notation c.1159delT).
Protein change: p.Cys387fs; shifts the reading frame from cysteine 387.
Molecular consequence: frameshift variant. On other transcripts: non-coding transcript variant (1), intron variant (1).
Genome position (GRCh38, 1-based): chr11:6,393,283, T deleted; the last of 5 consecutive T bases (chr11:6,393,279-6,393,283); deleting any one gives the same sequence. VCF-style (leftmost placement, unchanged base first): chr11-6393278-AT-A. GRCh37 (hg19) VCF-style: chr11-6414508-AT-A.
Other names: c.1156del, p.Cys386fs (NM_001007593.3); c.1159del, p.Cys387fs (NM_001318087.2); c.238del, p.Cys80fs (NM_001318088.2); c.1132-334del (NM_001365135.2); short protein forms C386fs, C387fs, C80fs.
Identifiers: ClinVar variation 5014936 (VCV005014936.1).